The following is an entry in ClinVar:

ClinVar aggregate classification (germline): Uncertain significance (1 of 4 stars; one submission).

Conditions:
Hereditary cancer-predisposing syndrome. Also called: Neoplastic Syndromes, Hereditary; Tumor predisposition; Hereditary neoplastic syndrome; Hereditary Cancer Syndrome. Identifiers: Orphanet 140162, MedGen C0027672, MeSH D009386, MONDO:0015356.

Submission:

Ambry Genetics
Classification: Uncertain significance for Hereditary cancer-predisposing syndrome. Last evaluated: 2026-09-10. Review status: criteria provided, single submitter. Criteria: Ambry Variant Classification Scheme 2023. Collection method: clinical testing. Allele origin: germline.
Comment: The p.L1612P variant (also known as c.4835T>C), located in coding exon 15 of the APC gene, results from a T to C substitution at nucleotide position 4835. The leucine at codon 1612 is replaced by proline, an amino acid with similar properties. This amino acid position is conserved. In addition, in silico predictors for this gene do not accurately predict pathogenicity. Based on the available evidence, the clinical significance of this variant remains unclear.

NM_000038.6(APC):c.4835T>C (p.Leu1612Pro)

Gene: APC (APC regulator of Wnt signaling pathway; plus strand). Cytogenetic location: 5q22.2.
Variant type: single nucleotide variant.
Coding change: c.4835T>C on transcript NM_000038.6 (MANE Select); coding-DNA position 4835, T replaced by C.
Protein change: p.Leu1612Pro; replaces leucine 1612 with proline.
Molecular consequence: missense variant. On other transcripts: non-coding transcript variant (2).
Genome position (GRCh38, 1-based): chr5:112,840,429, T>C. VCF-style: chr5-112840429-T-C. GRCh37 (hg19) VCF-style: chr5-112176126-T-C.
Other names: c.4835T>C, p.Leu1612Pro (NM_001127510.3, NM_001354895.2, NM_001407450.1); c.4781T>C, p.Leu1594Pro (NM_001127511.3); c.4889T>C, p.Leu1630Pro (NM_001354896.2, NM_001407447.1, NM_001407448.1 and 1 more transcripts); c.4865T>C, p.Leu1622Pro (NM_001354897.2); c.4760T>C, p.Leu1587Pro (NM_001354898.2); c.4751T>C, p.Leu1584Pro (NM_001354899.2); c.4712T>C, p.Leu1571Pro (NM_001354900.2); c.4658T>C, p.Leu1553Pro (NM_001354901.2, NM_001407453.1); and 11 more; short protein forms L1630P, L1483P, L1521P, L1602P, L1640P, L1228P, L1329P, L1486P.
Identifiers: ClinVar variation 5026159 (VCV005026159.1).